The following is an entry in ClinVar:

NM_001326411.2(PISD):c.750G>A (p.Glu250=)

Gene: PISD (phosphatidylserine decarboxylase; minus strand). Cytogenetic location: 22q12.2.
Variant type: single nucleotide variant.
Coding change: c.750G>A on transcript NM_001326411.2 (MANE Select); coding-DNA position 750, G replaced by A.
Protein change: p.Glu250=; no amino-acid change (glutamic acid 250 retained).
Molecular consequence: synonymous variant.
Genome position (GRCh38, 1-based): chr22:31,621,090, C>T on the plus strand (G>A on the coding strand, the complement: PISD is on the minus strand). VCF-style: chr22-31621090-C-T. GRCh37 (hg19) VCF-style: chr22-32017076-C-T.
Other names: c.687G>A, p.Glu229= (NM_001326412.1, NM_001326413.2, NM_001326414.2); c.648G>A, p.Glu216= (NM_001326415.2, NM_001326416.2, NM_001326417.2 and 3 more transcripts); c.570G>A, p.Glu190= (NM_001326418.2, NM_001326420.2); c.750G>A, p.Glu250= (NM_001326421.1).
Identifiers: ClinVar variation 2889910 (VCV002889910.6), dbSNP rs777835869, ClinGen allele CA10194664.

ClinVar aggregate classification (germline): Likely benign. Review status: criteria provided, multiple submitters, no conflicts (2 of 4 stars). 3 submissions from 3 submitters: Likely benign (3). Last evaluated 2026-04-01.

Allele frequency attached by ClinVar (database versions not stated): gnomAD 0.00001; ExAC 0.00002; TOPMed 0.00002; gnomAD exomes 0.00003.
gnomAD v4.1: 39 of 1,614,068 alleles (0.0024%); highest among the groups gnomAD compares: Non-Finnish European, 0.0031%; no homozygotes.

Submissions (3):

CeGaT Center for Human Genetics Tuebingen
Classification: Likely benign. Last evaluated: 2026-04-01. Review status: criteria provided, single submitter. Criteria: CeGaT Center For Human Genetics Tuebingen Variant Classification Criteria Version 2. Collection method: clinical testing. Allele origin: germline. Affected: yes. Observed: 1 variant allele.
Comment: PISD: BP4, BP7

Blueprint Genetics
Classification: Likely benign. Last evaluated: 2024-06-21. Review status: criteria provided, single submitter. Criteria: ACMG Guidelines, 2015. Collection method: clinical testing. Allele origin: germline.

Labcorp Genetics (formerly Invitae), Labcorp
Classification: Likely benign. Last evaluated: 2023-11-14. Review status: criteria provided, single submitter. Criteria: Invitae Variant Classification Sherloc (09022015). Collection method: clinical testing. Allele origin: germline.